The following is an entry in ClinVar:

NM_001199198.3(TBC1D23):c.676G>C (p.Asp226His)

Gene: TBC1D23 (TBC1 domain family member 23; plus strand). Cytogenetic location: 3q12.1.
Variant type: single nucleotide variant.
Coding change: c.676G>C on transcript NM_001199198.3 (MANE Select); coding-DNA position 676, G replaced by C.
Protein change: p.Asp226His; replaces aspartic acid 226 with histidine.
Molecular consequence: missense variant.
Genome position (GRCh38, 1-based): chr3:100,295,162, G>C. VCF-style: chr3-100295162-G-C. GRCh37 (hg19) VCF-style: chr3-100014006-G-C.
Other names: c.676G>C, p.Asp226His (NM_018309.5); short protein forms D226H.
Identifiers: ClinVar variation 1299447 (VCV001299447.4), dbSNP rs2148861428, ClinGen allele CA353829387.

ClinVar aggregate classification (germline): Uncertain significance (1 of 4 stars; one submission).

Submission:

Illumina Laboratory Services, Illumina
Classification: Uncertain significance. Last evaluated: 2021-04-29. Review status: criteria provided, single submitter. Criteria: ICSLVariantClassificationCriteria RUGD 01 April 2020. Collection method: clinical testing. Allele origin: unknown.
Comment: The TBC1D23 c.676G>C (p.Asp226His) variant is a missense variant. A literature search was conducted for the gene, cDNA change, and amino acid change. No publications were identified through this search. The variant is not reported in version 2.1.1 or version 3.1.1 of the Genome Aggregation Database despite its location in a region of good sequencing coverage, which suggests that the variant is rare. Based on the available evidence, the p.Asp226His variant is classified as a variant of uncertain significance.